The following is an entry in ClinVar:

NM_025179.4(PLXNA2):c.510G>C (p.Gly170=)

Gene: PLXNA2 (plexin A2; minus strand). Cytogenetic location: 1q32.2.
Variant type: single nucleotide variant.
Coding change: c.510G>C on transcript NM_025179.4 (MANE Select); coding-DNA position 510, G replaced by C.
Protein change: p.Gly170=; no amino-acid change (glycine 170 retained).
Molecular consequence: synonymous variant.
Genome position (GRCh38, 1-based): chr1:208,217,413, C>G on the plus strand (G>C on the coding strand, the complement: PLXNA2 is on the minus strand). VCF-style: chr1-208217413-C-G. GRCh37 (hg19) VCF-style: chr1-208390758-C-G.
Identifiers: ClinVar variation 3031286 (VCV003031286.2), dbSNP rs370003674, ClinGen allele CA1374062.

ClinVar aggregate classification (germline): Likely benign (0 of 4 stars; one submission).

Conditions:
PLXNA2-related disorder. Also called: PLXNA2-related condition.

Allele frequency attached by ClinVar (database versions not stated): gnomAD 0.00001; ExAC 0.00002; ESP Exome Variant Server 0.00008.
gnomAD v4.1: 14 of 1,614,054 alleles (0.00087%); highest among the groups gnomAD compares: Middle Eastern, 0.033%; no homozygotes.

Submission:

PreventionGenetics, part of Exact Sciences
Classification: Likely benign for PLXNA2-related condition. Last evaluated: 2021-10-20. Review status: no assertion criteria provided. Collection method: clinical testing. Allele origin: germline.
Comment: This variant is classified as likely benign based on ACMG/AMP sequence variant interpretation guidelines (Richards et al. 2015 PMID: 25741868, with internal and published modifications).